The following is an entry in ClinVar:

NM_030665.4(RAI1):c.2029G>A (p.Gly677Ser)

Gene: RAI1 (retinoic acid induced 1; plus strand). Cytogenetic location: 17p11.2.
Variant type: single nucleotide variant.
Coding change: c.2029G>A on transcript NM_030665.4 (MANE Select); coding-DNA position 2029, G replaced by A.
Protein change: p.Gly677Ser; replaces glycine 677 with serine.
Molecular consequence: missense variant.
Genome position (GRCh38, 1-based): chr17:17,794,977, G>A. VCF-style: chr17-17794977-G-A. GRCh37 (hg19) VCF-style: chr17-17698291-G-A.
Other names: short protein forms G677S.
Identifiers: ClinVar variation 1445755 (VCV001445755.12), dbSNP rs754646763, ClinGen allele CA8418447.

ClinVar aggregate classification (germline): Conflicting classifications of pathogenicity. Review status: criteria provided, conflicting classifications (1 of 4 stars). 3 submissions from 3 submitters: Uncertain significance (1); Likely benign (1). 1 of the submissions does not count toward it. Last evaluated 2025-01-06.

Conditions:
RAI1-related disorder. Also called: RAI1-related condition.
Inborn genetic diseases. Identifiers: MedGen C0950123, MeSH D030342.

Allele frequency attached by ClinVar (database versions not stated): ExAC 0.00001.
gnomAD v4.1: 15 of 1,613,836 alleles (0.00093%); highest among the groups gnomAD compares: Admixed American, 0.0083%; no homozygotes.

Submissions (3):

Labcorp Genetics (formerly Invitae), Labcorp
Classification: Uncertain significance. Last evaluated: 2025-01-06. Review status: criteria provided, single submitter. Criteria: Invitae Variant Classification Sherloc (09022015). Collection method: clinical testing. Allele origin: germline.
Comment: This sequence change replaces glycine, which is neutral and non-polar, with serine, which is neutral and polar, at codon 677 of the RAI1 protein (p.Gly677Ser). This variant is present in population databases (rs754646763, gnomAD 0.007%). This variant has not been reported in the literature in individuals affected with RAI1-related conditions. ClinVar contains an entry for this variant (Variation ID: 1445755). Invitae Evidence Modeling of protein sequence and biophysical properties (such as structural, functional, and spatial information, amino acid conservation, physicochemical variation, residue mobility, and thermodynamic stability) indicates that this missense variant is not expected to disrupt RAI1 protein function with a negative predictive value of 80%. In summary, the available evidence is currently insufficient to determine the role of this variant in disease. Therefore, it has been classified as a Variant of Uncertain Significance.

Ambry Genetics
Classification: Likely benign for Inborn genetic diseases. Last evaluated: 2019-11-01. Review status: criteria provided, single submitter. Criteria: Ambry Variant Classification Scheme 2023. Collection method: clinical testing. Allele origin: germline.

PreventionGenetics, part of Exact Sciences
Classification: Uncertain significance for RAI1-related condition. Last evaluated: 2024-08-26. Review status: no assertion criteria provided. Collection method: clinical testing. Allele origin: germline. Not counted in ClinVar's aggregate classification.
Comment: The RAI1 c.2029G>A variant is predicted to result in the amino acid substitution p.Gly677Ser. To our knowledge, this variant has not been reported in the literature. This variant is reported in 0.0062% of alleles in individuals of African descent in gnomAD. At this time, the clinical significance of this variant is uncertain due to the absence of conclusive functional and genetic evidence.